The following is an entry in ClinVar:

ClinVar aggregate classification (germline): Pathogenic (1 of 4 stars; one submission).

Submission:

CeGaT Center for Human Genetics Tuebingen
Classification: Pathogenic. Last evaluated: 2025-07-01. Review status: criteria provided, single submitter. Criteria: CeGaT Center For Human Genetics Tuebingen Variant Classification Criteria Version 2. Collection method: clinical testing. Allele origin: germline. Affected: yes. Observed: 1 variant allele.
Comment: PAFAH1B1: PVS1, PM2, PS4:Supporting

NM_000430.4(PAFAH1B1):c.782G>A (p.Trp261Ter)

Gene: PAFAH1B1 (platelet activating factor acetylhydrolase 1b regulatory subunit 1; plus strand). Cytogenetic location: 17p13.3.
Variant type: single nucleotide variant.
Coding change: c.782G>A on transcript NM_000430.4 (MANE Select); coding-DNA position 782, G replaced by A.
Protein change: p.Trp261Ter; replaces tryptophan 261 with a stop codon.
Molecular consequence: nonsense.
Genome position (GRCh38, 1-based): chr17:2,674,170, G>A. VCF-style: chr17-2674170-G-A. GRCh37 (hg19) VCF-style: chr17-2577464-G-A.
Other names: short protein forms W261*.
Identifiers: ClinVar variation 4084960 (VCV004084960.8).